The following is an entry in ClinVar:

NM_001317778.2(SFTPC):c.228G>A (p.Pro76=)

Gene: SFTPC (surfactant protein C; plus strand). Cytogenetic location: 8p21.3.
Variant type: single nucleotide variant.
Coding change: c.228G>A on transcript NM_001317778.2 (MANE Select); coding-DNA position 228, G replaced by A.
Protein change: p.Pro76=; no amino-acid change (proline 76 retained).
Molecular consequence: synonymous variant.
Genome position (GRCh38, 1-based): chr8:22,163,106, G>A. VCF-style: chr8-22163106-G-A. GRCh37 (hg19) VCF-style: chr8-22020619-G-A.
Other names: c.228G>A, p.Pro76= (NM_001172357.2, NM_001172410.2, NM_001317780.2 and 1 more transcripts); c.69G>A, p.Pro23= (NM_001317779.2).
Identifiers: ClinVar variation 362555 (VCV000362555.10), dbSNP rs75413490, ClinGen allele CA4663941.
Genomic context (GRCh38, chr8:22,163,106, plus strand): 5'-GGGAAGACCAGGTGGCTCCATGCCCTTTCCCCAGGTTCTGGAGATGAGCATTGGGGCGCC[G>A]GAAGCCCAGCAACGCCTGGCCCTGAGTGAGCACCTGGTTACCACTGCCACCTTCTCCATC-3'
Protein context (NP_001304707.1, residues 66-86): EMVLEMSIGA[Pro76=]EAQQRLALSE

ClinVar aggregate classification (germline): Benign/Likely benign. Review status: criteria provided, multiple submitters, no conflicts (2 of 4 stars). 5 submissions from 4 submitters: Benign (3); Likely benign (2). Last evaluated 2024-11-05.

Conditions:
Hereditary pulmonary alveolar proteinosis. Also called: Pulmonary surfactant metabolism dysfunction. Identifiers: Orphanet 264675, MedGen C3711368, MONDO:0012580.
Surfactant metabolism dysfunction, pulmonary, 2 (SMDP2). Also called: DESQUAMATIVE INTERSTITIAL PNEUMONITIS DUE TO SURFACTANT PROTEIN C DEFICIENCY; INTERSTITIAL LUNG DISEASE DUE TO SURFACTANT PROTEIN C DEFICIENCY; PULMONARY ALVEOLAR PROTEINOSIS, CONGENITAL, 2. Identifiers: Orphanet 440392, MedGen C1970470, MONDO:0024465, OMIM 610913.
Interstitial lung disease 2 (ILD2). Also called: FIBROCYSTIC PULMONARY DYSPLASIA; FIBROSING ALVEOLITIS, CRYPTOGENIC; Familial idiopathic pulmonary fibrosis. Identifiers: Orphanet 2032, Orphanet 79126, MedGen C5561926, MONDO:0800497, OMIM 178500, MONDO:0800029.

Allele frequency attached by ClinVar (database versions not stated): 1000 Genomes Project 0.00080; TOPMed 0.00028; 1000 Genomes Project 30x 0.00062.
gnomAD v4.1: 408 of 1,614,144 alleles (0.025%); highest among the groups gnomAD compares: East Asian, 0.73%; 4 homozygotes.

Submissions (5):

Labcorp Genetics (formerly Invitae), Labcorp
Classification: Benign. Last evaluated: 2024-11-05. Review status: criteria provided, single submitter. Criteria: Invitae Variant Classification Sherloc (09022015). Collection method: clinical testing. Allele origin: germline.

Blueprint Genetics
Classification: Likely benign. Last evaluated: 2024-08-12. Review status: criteria provided, single submitter. Criteria: ACMG Guidelines, 2015. Collection method: clinical testing. Allele origin: germline.

Ambry Genetics
Classification: Likely benign for Hereditary pulmonary alveolar proteinosis. Last evaluated: 2020-05-04. Review status: criteria provided, single submitter. Criteria: Ambry Variant Classification Scheme 2023. Collection method: clinical testing. Allele origin: germline.

Illumina Laboratory Services, Illumina
Classification: Benign for Idiopathic fibrosing alveolitis, chronic form. Last evaluated: 2018-01-13. Review status: criteria provided, single submitter. Criteria: ICSL Variant Classification Criteria 13 December 2019. Collection method: clinical testing. Allele origin: germline.
Comment: This variant was observed in the ICSL laboratory as part of a predisposition screen in an ostensibly healthy population. It had not been previously curated by ICSL or reported in the Human Gene Mutation Database (HGMD: prior to June 1st, 2018), and was therefore a candidate for classification through an automated scoring system. Utilizing variant allele frequency, disease prevalence and penetrance estimates, and inheritance mode, an automated score was calculated to assess if this variant is too frequent to cause the disease. Based on the score and internal cut-off values, a variant classified as benign is not then subjected to further curation. The score for this variant resulted in a classification of benign for this disease.

Illumina Laboratory Services, Illumina
Classification: Benign for Surfactant metabolism dysfunction, pulmonary, 2. Last evaluated: 2018-01-13. Review status: criteria provided, single submitter. Criteria: ICSL Variant Classification Criteria 13 December 2019. Collection method: clinical testing. Allele origin: germline.
Comment: the same text as in the submission from Illumina Laboratory Services, Illumina above.